The following is an entry in ClinVar:

NM_001172509.2(SATB2):c.1196G>T (p.Arg399Leu)

Gene: SATB2 (SATB homeobox 2; minus strand). Cytogenetic location: 2q33.1.
Variant type: single nucleotide variant.
Coding change: c.1196G>T on transcript NM_001172509.2 (MANE Select); coding-DNA position 1196, G replaced by T.
Protein change: p.Arg399Leu; replaces arginine 399 with leucine.
Molecular consequence: missense variant.
Genome position (GRCh38, 1-based): chr2:199,328,888, C>A on the plus strand (G>T on the coding strand, the complement: SATB2 is on the minus strand). VCF-style: chr2-199328888-C-A. GRCh37 (hg19) VCF-style: chr2-200193611-C-A.
Other names: c.1196G>T, p.Arg399Leu (NM_001172517.1, NM_015265.4); short protein forms R399L.
Identifiers: ClinVar variation 1181946 (VCV001181946.4), dbSNP rs1057518190, ClinGen allele CA350386544.

ClinVar aggregate classification (germline): Pathogenic/Likely pathogenic. Review status: criteria provided, multiple submitters, no conflicts (2 of 4 stars). 2 submissions from 2 submitters: Pathogenic (1); Likely pathogenic (1). Last evaluated 2023-06-30.

Conditions:
SATB2-related disorder. Also called: SATB2-related condition.

Submissions (2):

GeneDx
Classification: Pathogenic. Last evaluated: 2023-06-30. Review status: criteria provided, single submitter. Criteria: GeneDx Variant Classification Process June 2021. Collection method: clinical testing. Allele origin: germline. Affected: yes.
Comment: Identified as de novo in two unrelated individuals with SATB2associated syndrome in published literature (Zarate et al., 2019); Not observed at significant frequency in large population cohorts (gnomAD); In silico analysis supports that this missense variant has a deleterious effect on protein structure/function; This variant is associated with the following publications: (PMID: 31021519)

Blueprint Genetics
Classification: Likely pathogenic for SATB2-related disorders. Last evaluated: 2022-06-17. Review status: criteria provided, single submitter. Criteria: ACMG Guidelines, 2015. Collection method: clinical testing. Allele origin: germline. Affected: yes. Observed: 1 variant allele.